The following is an entry in ClinVar:

NM_025099.6(CTC1):c.29C>G (p.Ser10Cys)

Genes: PFAS (phosphoribosylformylglycinamidine synthase; plus strand), CTC1 (CST telomere replication complex component 1; minus strand). Cytogenetic location: 17p13.1.
Variant type: single nucleotide variant.
Coding change: c.29C>G on transcript NM_025099.6 (MANE Select); coding-DNA position 29, C replaced by G.
Protein change: p.Ser10Cys; replaces serine 10 with cysteine.
Molecular consequence: missense variant. On other transcripts: non-coding transcript variant (1).
Genome position (GRCh38, 1-based): chr17:8,248,008, G>C on the plus strand (C>G on the coding strand, the complement: CTC1 is on the minus strand). VCF-style: chr17-8248008-G-C. GRCh37 (hg19) VCF-style: chr17-8151326-G-C.
Other names: short protein forms S10C.
Identifiers: ClinVar variation 942924 (VCV000942924.9), dbSNP rs745686555, ClinGen allele CA8372749.

ClinVar aggregate classification (germline): Uncertain significance (1 of 4 stars; one submission).

Conditions:
Dyskeratosis congenita. Identifiers: Orphanet 1775, MedGen C0265965, MONDO:0015780.

Allele frequency attached by ClinVar (database versions not stated): TOPMed below 0.00001.
gnomAD v4.1: 6 of 1,577,602 alleles (0.00038%); highest among the groups gnomAD compares: Non-Finnish European, 0.00052%; no homozygotes.

Submission:

Labcorp Genetics (formerly Invitae), Labcorp
Classification: Uncertain significance for Dyskeratosis congenita. Last evaluated: 2019-08-24. Review status: criteria provided, single submitter. Criteria: Invitae Variant Classification Sherloc (09022015). Collection method: clinical testing. Allele origin: germline.
Comment: In summary, the available evidence is currently insufficient to determine the role of this variant in disease. Therefore, it has been classified as a Variant of Uncertain Significance. Algorithms developed to predict the effect of missense changes on protein structure and function are either unavailable or do not agree on the potential impact of this missense change (SIFT: "Deleterious"; PolyPhen-2: "Benign"; Align-GVGD: "Class C0"). This variant has not been reported in the literature in individuals with CTC1-related conditions. This variant is present in population databases (rs745686555, ExAC 0.004%). This sequence change replaces serine with cysteine at codon 10 of the CTC1 protein (p.Ser10Cys). The serine residue is weakly conserved and there is a moderate physicochemical difference between serine and cysteine.